The following is an entry in ClinVar:

NC_012920.1(MT-TI):m.4327T>C

Gene: MT-TI (mitochondrially encoded tRNA isoleucine; plus strand).
Variant type: single nucleotide variant.
Genome position: chrM-4327-T-C.
Identifiers: ClinVar variation 689885 (VCV000689885.4), dbSNP rs1603219411, ClinGen allele CA913177747.

ClinVar aggregate classification (germline): Uncertain significance. Review status: criteria provided, single submitter (1 of 4 stars). 2 submissions from 2 submitters: Uncertain significance (1). 1 of the submissions does not count toward it. Last evaluated 2019-07-12.

Conditions:
Mitochondrial disease. Also called: Mitochondrial disorder; Mitochondrial disorders. Identifiers: Orphanet 68380, MedGen C0751651, MeSH D028361, MONDO:0044970.
MELAS syndrome (MELAS). Also called: Juvenile myopathy, encephalopathy, lactic acidosis, stroke. Identifiers: Orphanet 550, MedGen C0162671, MONDO:0010789, OMIM 540000.

Submissions (2):

Wong Mito Lab, Molecular and Human Genetics, Baylor College of Medicine
Classification: Uncertain significance for MELAS syndrome. Last evaluated: 2019-07-12. Review status: criteria provided, single submitter. Criteria: Modified ACMG Guidelines (Unpublished). Collection method: clinical testing. Allele origin: germline.
Comment: The NC_012920.1:m.4327T>C variant in MT-TI gene is interpreted to be a Unknown Significance variant based on the modified ACMG guidelines (unpublished). This variant meets the following evidence codes reported in the guidelines: PP3, PP7

Service de Génétique Médicale, Centre Hospitalier Universitaire de Nice-Université Côte d'Azur
Classification: Likely pathogenic for Mitochondrial disease. Last evaluated: 2019-10-01. Review status: no assertion criteria provided. Collection method: in vitro. Allele origin: not applicable. Inheritance: Mitochondrial inheritance. Not counted in ClinVar's aggregate classification.
Comment: Cerebellar ataxia, pyramidal syndrome Axonal sensory peripheral neuropathy, diffuse atrophy and intracranial calcifications on brain MRI

Literature cited by the submitters: PubMed 31965079 (cited by Wong Mito Lab, Molecular and Human Genetics, Baylor College of Medicine).